The following is an entry in ClinVar:

NM_000179.3(MSH6):c.3046G>A (p.Ala1016Thr)

Gene: MSH6 (mutS homolog 6; plus strand). Cytogenetic location: 2p16.3.
Variant type: single nucleotide variant.
Coding change: c.3046G>A on transcript NM_000179.3 (MANE Select); coding-DNA position 3046, G replaced by A.
Protein change: p.Ala1016Thr; replaces alanine 1016 with threonine.
Molecular consequence: missense variant.
Genome position (GRCh38, 1-based): chr2:47,801,029, G>A. VCF-style: chr2-47801029-G-A. GRCh37 (hg19) VCF-style: chr2-48028168-G-A.
Other names: c.2656G>A, p.Ala886Thr (NM_001281492.2); c.2140G>A, p.Ala714Thr (NM_001281493.2, NM_001281494.2); short protein forms A1016T, A886T, A714T.
Identifiers: ClinVar variation 479974 (VCV000479974.8), dbSNP rs1553414421, ClinGen allele CA346756493.
Genomic context (GRCh38, chr2:47,801,029, plus strand): 5'-TTGAAATCTACCAAGAAGGGCTGTAAACGATACTGGACCAAAACTATTGAAAAGAAGTTG[G>A]CTAATCTCATAAATGCTGAAGAACGGAGGGATGTATCATTGAAGGACTGCATGCGGCGAC-3'
Protein context (NP_000170.1, residues 1006-1026): YWTKTIEKKL[Ala1016Thr]NLINAEERRD

ClinVar aggregate classification (germline): Uncertain significance. Review status: criteria provided, multiple submitters, no conflicts (2 of 4 stars). 2 submissions from 2 submitters: Uncertain significance (2). Last evaluated 2024-11-19.

Conditions:
Hereditary cancer-predisposing syndrome. Also called: Hereditary Cancer Syndrome; Neoplastic Syndromes, Hereditary; Tumor predisposition; Hereditary neoplastic syndrome. Identifiers: Orphanet 140162, MedGen C0027672, MeSH D009386, MONDO:0015356.
Hereditary nonpolyposis colorectal neoplasms. Identifiers: MedGen C0009405, MeSH D003123.

gnomAD v4.1: 2 of 1,583,280 alleles (0.00013%); highest among the groups gnomAD compares: Non-Finnish European, 0.00017%; no homozygotes.

Submissions (2):

Labcorp Genetics (formerly Invitae), Labcorp
Classification: Uncertain significance for Hereditary nonpolyposis colorectal neoplasms. Last evaluated: 2024-11-19. Review status: criteria provided, single submitter. Criteria: Invitae Variant Classification Sherloc (09022015). Collection method: clinical testing. Allele origin: germline.
Comment: This sequence change replaces alanine, which is neutral and non-polar, with threonine, which is neutral and polar, at codon 1016 of the MSH6 protein (p.Ala1016Thr). This variant is not present in population databases (gnomAD no frequency). This variant has not been reported in the literature in individuals affected with MSH6-related conditions. ClinVar contains an entry for this variant (Variation ID: 479974). Invitae Evidence Modeling of protein sequence and biophysical properties (such as structural, functional, and spatial information, amino acid conservation, physicochemical variation, residue mobility, and thermodynamic stability) indicates that this missense variant is not expected to disrupt MSH6 protein function with a negative predictive value of 95%. In summary, the available evidence is currently insufficient to determine the role of this variant in disease. Therefore, it has been classified as a Variant of Uncertain Significance.

Ambry Genetics
Classification: Uncertain significance for Hereditary cancer-predisposing syndrome. Last evaluated: 2024-03-15. Review status: criteria provided, single submitter. Criteria: Ambry Variant Classification Scheme 2023. Collection method: clinical testing. Allele origin: germline.
Comment: The p.A1016T variant (also known as c.3046G>A), located in coding exon 4 of the MSH6 gene, results from a G to A substitution at nucleotide position 3046. The alanine at codon 1016 is replaced by threonine, an amino acid with similar properties. This amino acid position is not well conserved in available vertebrate species. In addition, the in silico prediction for this alteration is inconclusive. Based on the available evidence, the clinical significance of this alteration remains unclear.